The following is an entry in ClinVar:

ClinVar aggregate classification (germline): Likely benign (1 of 4 stars; one submission).

Conditions:
HNF1B-related disorder. Also called: HNF1B-related condition; HNF1B-related disorders.

gnomAD v4.1: 3 of 1,603,118 alleles (0.00019%); highest among the groups gnomAD compares: East Asian, 0.0022%; no homozygotes.

Submission:

PreventionGenetics, part of Exact Sciences
Classification: Likely benign for HNF1B-related condition. Last evaluated: 2026-02-09. Review status: criteria provided, single submitter. Criteria: ACMG Guidelines, 2015. Collection method: clinical testing. Allele origin: germline.
Comment: This variant is classified as likely benign based on ACMG/AMP sequence variant interpretation guidelines (Richards et al. 2015 PMID: 25741868, with internal and published modifications).

NM_000458.4(HNF1B):c.333C>T (p.Asp111=)

Gene: HNF1B (HNF1 homeobox B; minus strand). Cytogenetic location: 17q12.
Variant type: single nucleotide variant.
Coding change: c.333C>T on transcript NM_000458.4 (MANE Select); coding-DNA position 333, C replaced by T.
Protein change: p.Asp111=; no amino-acid change (aspartic acid 111 retained).
Molecular consequence: synonymous variant.
Genome position (GRCh38, 1-based): chr17:37,744,552, G>A on the plus strand (C>T on the coding strand, the complement: HNF1B is on the minus strand). VCF-style: chr17-37744552-G-A. GRCh37 (hg19) VCF-style: chr17-36104543-G-A.
Other names: c.333C>T, p.Asp111= (NM_001165923.4, NM_001304286.2, NM_001411100.1).
Identifiers: ClinVar variation 4985261 (VCV004985261.1).